The following is an entry in ClinVar:

ClinVar aggregate classification (germline): Uncertain significance (1 of 4 stars; one submission).

gnomAD v4.1: 1 of 1,613,890 alleles (0.000062%); highest among the groups gnomAD compares: Admixed American, 0.0017%; no homozygotes.

Submission:

Labcorp Genetics (formerly Invitae), Labcorp
Classification: Uncertain significance. Last evaluated: 2023-05-15. Review status: criteria provided, single submitter. Criteria: Invitae Variant Classification Sherloc (09022015). Collection method: clinical testing. Allele origin: germline.
Comment: In summary, the available evidence is currently insufficient to determine the role of this variant in disease. Therefore, it has been classified as a Variant of Uncertain Significance. Advanced modeling of protein sequence and biophysical properties (such as structural, functional, and spatial information, amino acid conservation, physicochemical variation, residue mobility, and thermodynamic stability) performed at Invitae indicates that this missense variant is expected to disrupt P3H2 protein function. ClinVar contains an entry for this variant (Variation ID: 1967674). This variant has not been reported in the literature in individuals affected with P3H2-related conditions. This variant is not present in population databases (gnomAD no frequency). This sequence change replaces aspartic acid, which is acidic and polar, with valine, which is neutral and non-polar, at codon 491 of the P3H2 protein (p.Asp491Val).

NM_018192.4(P3H2):c.1472A>T (p.Asp491Val)

Gene: P3H2 (prolyl 3-hydroxylase 2; minus strand). Cytogenetic location: 3q28.
Variant type: single nucleotide variant.
Coding change: c.1472A>T on transcript NM_018192.4 (MANE Select); coding-DNA position 1472, A replaced by T.
Protein change: p.Asp491Val; replaces aspartic acid 491 with valine.
Molecular consequence: missense variant.
Genome position (GRCh38, 1-based): chr3:189,973,985, T>A on the plus strand (A>T on the coding strand, the complement: P3H2 is on the minus strand). VCF-style: chr3-189973985-T-A. GRCh37 (hg19) VCF-style: chr3-189691774-T-A.
Other names: c.929A>T, p.Asp310Val (NM_001134418.2); short protein forms D310V, D491V.
Identifiers: ClinVar variation 1967674 (VCV001967674.5), dbSNP rs1723267593, ClinGen allele CA355753909.